The following is an entry in ClinVar:

NM_001142966.3(GREB1L):c.5557C>T (p.Leu1853Phe)

Gene: GREB1L (GREB1 like retinoic acid receptor coactivator; plus strand). Cytogenetic location: 18q11.2.
Variant type: single nucleotide variant.
Coding change: c.5557C>T on transcript NM_001142966.3 (MANE Select); coding-DNA position 5557, C replaced by T.
Protein change: p.Leu1853Phe; replaces leucine 1853 with phenylalanine.
Molecular consequence: missense variant.
Genome position (GRCh38, 1-based): chr18:21,520,772, C>T. VCF-style: chr18-21520772-C-T. GRCh37 (hg19) VCF-style: chr18-19100733-C-T.
Other names: c.5686C>T, p.Leu1896Phe (NM_001410867.1); c.5230C>T, p.Leu1744Phe (NM_001410868.1); short protein forms L1853F, L1896F, L1744F.
Identifiers: ClinVar variation 4978510 (VCV004978510.1).

ClinVar aggregate classification (germline): Uncertain significance (1 of 4 stars; one submission).

Conditions:
GREB1L-related disorder. Also called: GREB1L-related condition.

gnomAD v4.1: 7 of 1,520,854 alleles (0.00046%); highest among the groups gnomAD compares: Non-Finnish European, 0.00062%; no homozygotes.

Submission:

PreventionGenetics, part of Exact Sciences
Classification: Uncertain significance for GREB1L-related condition. Last evaluated: 2026-08-04. Review status: criteria provided, single submitter. Criteria: ACMG Guidelines, 2015. Collection method: clinical testing. Allele origin: germline.
Comment: The GREB1L c.5557C>T variant is predicted to result in the amino acid substitution p.Leu1853Phe. To our knowledge, this variant has not been reported in the literature. This variant is reported in 0.0056% of alleles in individuals of European (Non-Finnish) descent in gnomAD. At this time, the clinical significance of this variant is uncertain due to the absence of conclusive functional and genetic evidence.